The following is an entry in ClinVar:

ClinVar aggregate classification (germline): Uncertain significance (1 of 4 stars; one submission).

Conditions:
Inborn genetic diseases. Identifiers: MedGen C0950123, MeSH D030342.

Submission:

Ambry Genetics
Classification: Uncertain significance for Inborn genetic diseases. Last evaluated: 2024-12-06. Review status: criteria provided, single submitter. Criteria: Ambry Variant Classification Scheme 2023. Collection method: clinical testing. Allele origin: germline.
Comment: The p.Q661H variant (also known as c.1983G>C), located in coding exon 22 of the RTEL1 gene, results from a G to C substitution at nucleotide position 1983. The glutamine at codon 661 is replaced by histidine, an amino acid with highly similar properties. This amino acid position is conserved. In addition, the in silico prediction for this alteration is inconclusive. Based on the available evidence, the clinical significance of this variant remains unclear.

NM_001283009.2(RTEL1):c.1983G>C (p.Gln661His)

Genes: RTEL1 (regulator of telomere elongation helicase 1; plus strand), RTEL1-TNFRSF6B (RTEL1-TNFRSF6B readthrough (NMD candidate); plus strand). Cytogenetic location: 20q13.33.
Variant type: single nucleotide variant.
Coding change: c.1983G>C on transcript NM_001283009.2 (MANE Select); coding-DNA position 1983, G replaced by C.
Protein change: p.Gln661His; replaces glutamine 661 with histidine.
Molecular consequence: missense variant. On other transcripts: non-coding transcript variant (1).
Genome position (GRCh38, 1-based): chr20:63,689,606, G>C. VCF-style: chr20-63689606-G-C. GRCh37 (hg19) VCF-style: chr20-62320959-G-C.
Other names: c.1314G>C, p.Gln438His (NM_001283010.1); c.1983G>C, p.Gln661His (NM_016434.4); c.2055G>C, p.Gln685His (NM_032957.5); short protein forms Q685H, Q438H, Q661H.
Identifiers: ClinVar variation 3436027 (VCV003436027.1).